The following is an entry in ClinVar:

NM_017849.4(TMEM127):c.55G>C (p.Gly19Arg)

Genes: TMEM127 (transmembrane protein 127; minus strand), LOC129934333 (ATAC-STARR-seq lymphoblastoid silent region 11759; plus strand). Cytogenetic location: 2q11.2.
Variant type: single nucleotide variant.
Coding change: c.55G>C on transcript NM_017849.4 (MANE Select); coding-DNA position 55, G replaced by C.
Protein change: p.Gly19Arg; replaces glycine 19 with arginine.
Molecular consequence: missense variant.
Genome position (GRCh38, 1-based): chr2:96,265,327, C>G on the plus strand (G>C on the coding strand, the complement: TMEM127 is on the minus strand). VCF-style: chr2-96265327-C-G. GRCh37 (hg19) VCF-style: chr2-96931065-C-G.
Other names: c.55G>C, p.Gly19Arg (NM_001193304.3); short protein forms G19R.
Identifiers: ClinVar variation 998827 (VCV000998827.11), dbSNP rs774322340, ClinGen allele CA347656208.

ClinVar aggregate classification (germline): Uncertain significance. Review status: criteria provided, multiple submitters, no conflicts (2 of 4 stars). 2 submissions from 2 submitters: Uncertain significance (2). Last evaluated 2025-03-27.

Conditions:
Hereditary pheochromocytoma and paraganglioma. Also called: Hereditary pheochromocytoma-paraganglioma; Hereditary Paraganglioma-Pheochromocytoma Syndromes; Hereditary paragangliomas and pheochromocytomas. Identifiers: Orphanet 29072, MedGen C4274332, MONDO:0017366.
Hereditary cancer-predisposing syndrome. Also called: Hereditary neoplastic syndrome; Hereditary Cancer Syndrome; Tumor predisposition; Neoplastic Syndromes, Hereditary. Identifiers: Orphanet 140162, MedGen C0027672, MeSH D009386, MONDO:0015356.

gnomAD v4.1: 9 of 1,520,976 alleles (0.00059%); highest among the groups gnomAD compares: Non-Finnish European, 0.00079%; no homozygotes.

Submissions (2):

Ambry Genetics
Classification: Uncertain significance for Hereditary cancer-predisposing syndrome. Last evaluated: 2025-03-27. Review status: criteria provided, single submitter. Criteria: Ambry Variant Classification Scheme 2023. Collection method: clinical testing. Allele origin: germline.
Comment: The p.G19R variant (also known as c.55G>C), located in coding exon 1 of the TMEM127 gene, results from a G to C substitution at nucleotide position 55. The glycine at codon 19 is replaced by arginine, an amino acid with dissimilar properties. This amino acid position is well conserved in available vertebrate species. In addition, this alteration is predicted to be tolerated by in silico analysis. Based on the available evidence, the clinical significance of this variant remains unclear.

Labcorp Genetics (formerly Invitae), Labcorp
Classification: Uncertain significance for Hereditary pheochromocytoma and paraganglioma. Last evaluated: 2024-03-06. Review status: criteria provided, single submitter. Criteria: Invitae Variant Classification Sherloc (09022015). Collection method: clinical testing. Allele origin: germline.
Comment: This sequence change replaces glycine, which is neutral and non-polar, with arginine, which is basic and polar, at codon 19 of the TMEM127 protein (p.Gly19Arg). This variant is not present in population databases (gnomAD no frequency). This variant has not been reported in the literature in individuals affected with TMEM127-related conditions. ClinVar contains an entry for this variant (Variation ID: 998827). Experimental studies and prediction algorithms are not available or were not evaluated, and the functional significance of this variant is currently unknown. In summary, the available evidence is currently insufficient to determine the role of this variant in disease. Therefore, it has been classified as a Variant of Uncertain Significance.